The following is an entry in ClinVar:

NM_001261826.3(AP3D1):c.2642C>G (p.Pro881Arg)

Gene: AP3D1 (adaptor related protein complex 3 subunit delta 1; minus strand). Cytogenetic location: 19p13.3.
Variant type: single nucleotide variant.
Coding change: c.2642C>G on transcript NM_001261826.3 (MANE Select); coding-DNA position 2642, C replaced by G.
Protein change: p.Pro881Arg; replaces proline 881 with arginine.
Molecular consequence: missense variant. On other transcripts: intron variant (1).
Genome position (GRCh38, 1-based): chr19:2,113,373, G>C on the plus strand (C>G on the coding strand, the complement: AP3D1 is on the minus strand). VCF-style: chr19-2113373-G-C. GRCh37 (hg19) VCF-style: chr19-2113372-G-C.
Other names: c.2642C>G, p.Pro881Arg (NM_001374799.1); c.2601+752C>G (NM_003938.8); short protein forms P881R.
Identifiers: ClinVar variation 2854441 (VCV002854441.3), dbSNP rs2512144612, ClinGen allele CA403207199.

ClinVar aggregate classification (germline): Uncertain significance (1 of 4 stars; one submission).

Submission:

Labcorp Genetics (formerly Invitae), Labcorp
Classification: Uncertain significance. Last evaluated: 2023-04-09. Review status: criteria provided, single submitter. Criteria: Invitae Variant Classification Sherloc (09022015). Collection method: clinical testing. Allele origin: germline.
Comment: This sequence change replaces proline, which is neutral and non-polar, with arginine, which is basic and polar, at codon 881 of the AP3D1 protein (p.Pro881Arg). In summary, the available evidence is currently insufficient to determine the role of this variant in disease. Therefore, it has been classified as a Variant of Uncertain Significance. An algorithm developed to predict the effect of missense changes on protein structure and function (PolyPhen-2) suggests that this variant is likely to be tolerated. This variant has not been reported in the literature in individuals affected with AP3D1-related conditions. This variant is not present in population databases (gnomAD no frequency).